The following is an entry in ClinVar:

ClinVar aggregate classification (germline): Uncertain significance (1 of 4 stars; one submission).

Allele frequency attached by ClinVar (database versions not stated): gnomAD exomes 0.00001; gnomAD 0.00002; TOPMed 0.00002.
gnomAD v4.1: 15 of 1,613,642 alleles (0.00093%); highest among the groups gnomAD compares: African/African-American, 0.0067%; no homozygotes.

Submission:

Labcorp Genetics (formerly Invitae), Labcorp
Classification: Uncertain significance. Last evaluated: 2022-03-03. Review status: criteria provided, single submitter. Criteria: Invitae Variant Classification Sherloc (09022015). Collection method: clinical testing. Allele origin: germline.
Comment: This sequence change replaces tyrosine, which is neutral and polar, with cysteine, which is neutral and slightly polar, at codon 514 of the PCDH15 protein (p.Tyr514Cys). This variant is present in population databases (rs755150672, gnomAD 0.007%). This variant has not been reported in the literature in individuals affected with PCDH15-related conditions. Algorithms developed to predict the effect of missense changes on protein structure and function are either unavailable or do not agree on the potential impact of this missense change (SIFT: "Deleterious"; PolyPhen-2: "Probably Damaging"; Align-GVGD: "Class C0"). In summary, the available evidence is currently insufficient to determine the role of this variant in disease. Therefore, it has been classified as a Variant of Uncertain Significance.

NM_001384140.1(PCDH15):c.1541A>G (p.Tyr514Cys)

Gene: PCDH15 (protocadherin related 15; minus strand). Cytogenetic location: 10q21.1.
Variant type: single nucleotide variant.
Coding change: c.1541A>G on transcript NM_001384140.1 (MANE Select); coding-DNA position 1541, A replaced by G.
Protein change: p.Tyr514Cys; replaces tyrosine 514 with cysteine.
Molecular consequence: missense variant.
Genome position (GRCh38, 1-based): chr10:54,183,493, T>C on the plus strand (A>G on the coding strand, the complement: PCDH15 is on the minus strand). VCF-style: chr10-54183493-T-C. GRCh37 (hg19) VCF-style: chr10-55943253-T-C.
Other names: c.1556A>G, p.Tyr519Cys (NM_001142763.2, NM_001142771.2); c.1541A>G, p.Tyr514Cys (NM_001142764.2, NM_001142765.2, NM_001142766.2 and 6 more transcripts); c.1430A>G, p.Tyr477Cys (NM_001142767.2); c.1475A>G, p.Tyr492Cys (NM_001142768.2, NM_001142773.2, NM_001354404.2); c.1577A>G, p.Tyr526Cys (NM_001142769.4); c.1562A>G, p.Tyr521Cys (NM_001354411.2); short protein forms Y514C, Y521C, Y477C, Y492C, Y526C, Y519C.
Identifiers: ClinVar variation 2141774 (VCV002141774.1), dbSNP rs755150672, ClinGen allele CA207234061.